The following is an entry in ClinVar:

NM_000179.3(MSH6):c.855T>G (p.Ser285Arg)

Gene: MSH6 (mutS homolog 6; plus strand). Cytogenetic location: 2p16.3.
Variant type: single nucleotide variant.
Coding change: c.855T>G on transcript NM_000179.3 (MANE Select); coding-DNA position 855, T replaced by G.
Protein change: p.Ser285Arg; replaces serine 285 with arginine.
Molecular consequence: missense variant. On other transcripts: 5 prime UTR variant (2).
Genome position (GRCh38, 1-based): chr2:47,798,838, T>G. VCF-style: chr2-47798838-T-G. GRCh37 (hg19) VCF-style: chr2-48025977-T-G.
Other names: c.465T>G, p.Ser155Arg (NM_001281492.2); c.-52T>G (NM_001281493.2, NM_001281494.2, NM_001406811.1 and 6 more transcripts); c.951T>G, p.Ser317Arg (NM_001406795.1, NM_001406802.1); c.855T>G, p.Ser285Arg (NM_001406796.1, NM_001406798.1, NM_001406800.1 and 4 more transcripts); c.558T>G, p.Ser186Arg (NM_001406797.1, NM_001406801.1, NM_001406805.1 and 10 more transcripts); c.330T>G, p.Ser110Arg (NM_001406799.1, NM_001406806.1, NM_001406807.1); c.777T>G, p.Ser259Arg (NM_001406804.1); c.861T>G, p.Ser287Arg (NM_001406813.1); and 1 more; short protein forms S110R, S285R, S259R, S155R, S186R, S229R, S287R, S317R.
Identifiers: ClinVar variation 1763869 (VCV001763869.3), dbSNP rs2104301892, ClinGen allele CA346740571.
Genomic context (GRCh38, chr2:47,798,838, plus strand): 5'-TAAGCCAGACACTAAGGAGGAAGGAAGCAGTGATGAAATAAGCAGTGGAGTGGGGGATAG[T>G]GAGAGTGAAGGCCTGAACAGCCCTGTCAAAGTTGCTCGAAAGCGGAAGAGAATGGTGACT-3'
Protein context (NP_000170.1, residues 275-295): SDEISSGVGD[Ser285Arg]ESEGLNSPVK

ClinVar aggregate classification (germline): Uncertain significance (1 of 4 stars; one submission).

Conditions:
Hereditary cancer-predisposing syndrome. Also called: Neoplastic Syndromes, Hereditary; Tumor predisposition; Hereditary Cancer Syndrome; Hereditary neoplastic syndrome. Identifiers: Orphanet 140162, MedGen C0027672, MeSH D009386, MONDO:0015356.

Submission:

Ambry Genetics
Classification: Uncertain significance for Hereditary cancer-predisposing syndrome. Last evaluated: 2022-04-19. Review status: criteria provided, single submitter. Criteria: Ambry Variant Classification Scheme 2023. Collection method: clinical testing. Allele origin: germline.
Comment: The p.S285R variant (also known as c.855T>G), located in coding exon 4 of the MSH6 gene, results from a T to G substitution at nucleotide position 855. The serine at codon 285 is replaced by arginine, an amino acid with dissimilar properties. This amino acid position is conserved. In addition, the in silico prediction for this alteration is inconclusive. Since supporting evidence is limited at this time, the clinical significance of this alteration remains unclear.